The following is an entry in ClinVar:

NM_024057.4(NUP37):c.150G>A (p.Thr50=)

Gene: NUP37 (nucleoporin 37; minus strand). Cytogenetic location: 12q23.2.
Variant type: single nucleotide variant.
Coding change: c.150G>A on transcript NM_024057.4 (MANE Select); coding-DNA position 150, G replaced by A.
Protein change: p.Thr50=; no amino-acid change (threonine 50 retained).
Molecular consequence: synonymous variant.
Genome position (GRCh38, 1-based): chr12:102,118,369, C>T on the plus strand (G>A on the coding strand, the complement: NUP37 is on the minus strand). VCF-style: chr12-102118369-C-T. GRCh37 (hg19) VCF-style: chr12-102512147-C-T.
Other names: c.150G>A (NM_024057.3).
Identifiers: ClinVar variation 2643243 (VCV002643243.25), dbSNP rs139625051, ClinGen allele CA6747794.

ClinVar aggregate classification (germline): Likely benign. Review status: criteria provided, single submitter (1 of 4 stars). 2 submissions from 2 submitters: Likely benign (1). 1 of the submissions does not count toward it. Last evaluated 2022-08-01.

Conditions:
NUP37-related disorder. Also called: NUP37-related condition.

Allele frequency attached by ClinVar (database versions not stated): ESP Exome Variant Server 0.00023; gnomAD 0.00023; TOPMed 0.00023; ExAC 0.00027; gnomAD exomes 0.00033; 1000 Genomes Project 0.00040; 1000 Genomes Project 30x 0.00047.
gnomAD v4.1: 523 of 1,612,006 alleles (0.032%); highest among the groups gnomAD compares: Non-Finnish European, 0.04%; no homozygotes.

Submissions (2):

CeGaT Center for Human Genetics Tuebingen
Classification: Likely benign. Last evaluated: 2022-08-01. Review status: criteria provided, single submitter. Criteria: CeGaT Center For Human Genetics Tuebingen Variant Classification Criteria Version 2. Collection method: clinical testing. Allele origin: germline. Affected: yes. Observed: 1 variant allele.
Comment: NUP37: BP4, BP7

PreventionGenetics, part of Exact Sciences
Classification: Likely benign for NUP37-related condition. Last evaluated: 2019-03-12. Review status: no assertion criteria provided. Collection method: clinical testing. Allele origin: germline. Not counted in ClinVar's aggregate classification.
Comment: This variant is classified as likely benign based on ACMG/AMP sequence variant interpretation guidelines (Richards et al. 2015 PMID: 25741868, with internal and published modifications).